The following is an entry in ClinVar:

ClinVar aggregate classification (germline): Conflicting classifications of pathogenicity. Review status: criteria provided, conflicting classifications (1 of 4 stars). 6 submissions from 6 submitters: Pathogenic (1); Likely pathogenic (1); Uncertain significance (3). 1 of the submissions does not count toward it. Last evaluated 2026-02-24.

Conditions:
USH2A-related disorder. Also called: USH2A-related condition; USH2A-related disorders. Identifiers: MedGen CN239332.
Usher syndrome type 2A. Also called: USHER SYNDROME, TYPE IIA; RETINAL DISEASE IN USHER SYNDROME TYPE IIA, MODIFIER OF. Identifiers: Orphanet 231178, Orphanet 886, MedGen C1848634, MONDO:0010169, OMIM 276901.

Allele frequency attached by ClinVar (database versions not stated): ExAC 0.00001; gnomAD exomes 0.00001; gnomAD 0.00003 and 0.00004; TOPMed 0.00004.
gnomAD v4.1: 9 of 1,613,968 alleles (0.00056%); highest among the groups gnomAD compares: African/African-American, 0.0093%; no homozygotes.

Submissions (6):

PreventionGenetics, part of Exact Sciences
Classification: Uncertain significance for USH2A-related condition. Last evaluated: 2026-02-24. Review status: criteria provided, single submitter. Criteria: ACMG Guidelines, 2015. Collection method: clinical testing. Allele origin: germline.
Comment: The USH2A c.9917G>A variant is predicted to result in the amino acid substitution p.Cys3306Tyr. To our knowledge, this variant has not been reported in the literature. An alternate substitution of this amino acid (p.Cys3306Trp) has been reported along with two other USH2A variants in an individual with retinitis pigmentosa (Comander et al. 2017. PubMed ID: 28981474). This variant is present in 0.012% of alleles in individuals of African descent in gnomAD. Although we suspect that this variant may be pathogenic, at this time, the clinical significance of this variant is uncertain due to the absence of conclusive functional and genetic evidence.

Labcorp Genetics (formerly Invitae), Labcorp
Classification: Pathogenic. Last evaluated: 2024-05-24. Review status: criteria provided, single submitter. Criteria: Invitae Variant Classification Sherloc (09022015). Collection method: clinical testing. Allele origin: germline.
Comment: This sequence change replaces cysteine, which is neutral and slightly polar, with tyrosine, which is neutral and polar, at codon 3306 of the USH2A protein (p.Cys3306Tyr). This variant is present in population databases (rs758614136, gnomAD 0.01%). This missense change has been observed in individual(s) with retinitis pigmentosa (Invitae). In at least one individual the data is consistent with being in trans (on the opposite chromosome) from a pathogenic variant. ClinVar contains an entry for this variant (Variation ID: 505526). Advanced modeling of protein sequence and biophysical properties (such as structural, functional, and spatial information, amino acid conservation, physicochemical variation, residue mobility, and thermodynamic stability) performed at Invitae indicates that this missense variant is expected to disrupt USH2A protein function with a positive predictive value of 95%. For these reasons, this variant has been classified as Pathogenic.

GeneDx
Classification: Uncertain significance. Last evaluated: 2024-04-01. Review status: criteria provided, single submitter. Criteria: GeneDx Variant Classification Process June 2021. Collection method: clinical testing. Allele origin: germline.
Comment: In silico analysis supports that this missense variant has a deleterious effect on protein structure/function; Has not been previously published as pathogenic or benign to our knowledge

Blueprint Genetics
Classification: Likely pathogenic for USH2A-related disorders. Last evaluated: 2022-09-01. Review status: criteria provided, single submitter. Criteria: ACMG Guidelines, 2015. Collection method: clinical testing. Allele origin: germline. Affected: yes. Observed: 2 variant alleles.

Laboratory for Molecular Medicine, Mass General Brigham Personalized Medicine
Classification: Uncertain significance. Last evaluated: 2016-12-13. Review status: criteria provided, single submitter. Criteria: LMM Criteria. Collection method: clinical testing. Allele origin: germline. Observed: 1 variant allele.
Comment: The p.Cys3306Tyr variant in USH2A has not been reported in individuals with hear ing loss or Usher syndrome. It has been identified in 1/11524 Latino chromosomes by the Exome Aggregation Consortium (ExAC; dbSN P rs758614136); however, its frequency is not high enough to rule out a pathogen ic role. Computational prediction tools and conservation analyses suggest that t his variant may impact the protein, though this information is not predictive en ough to determine pathogenicity. In summary, the clinical significance of the p. Cys3306Tyr variant is uncertain.

Natera, Inc.
Classification: Uncertain significance for Usher syndrome type 2A. Last evaluated: 2020-03-20. Review status: no assertion criteria provided. Collection method: clinical testing. Allele origin: germline. Not counted in ClinVar's aggregate classification.

NM_206933.4(USH2A):c.9917G>A (p.Cys3306Tyr)

Gene: USH2A (usherin; minus strand). Cytogenetic location: 1q41.
Variant type: single nucleotide variant.
Coding change: c.9917G>A on transcript NM_206933.4 (MANE Select); coding-DNA position 9917, G replaced by A.
Protein change: p.Cys3306Tyr; replaces cysteine 3306 with tyrosine.
Molecular consequence: missense variant.
Genome position (GRCh38, 1-based): chr1:215,798,948, C>T on the plus strand (G>A on the coding strand, the complement: USH2A is on the minus strand). VCF-style: chr1-215798948-C-T. GRCh37 (hg19) VCF-style: chr1-215972290-C-T.
Other names: short protein forms C3306Y.
Identifiers: ClinVar variation 505526 (VCV000505526.20), dbSNP rs758614136, ClinGen allele CA1394181.
Genomic context (GRCh38, chr1:215,798,948, plus strand): 5'-GTAGACCTGGGCCCCTTACCTGGAAGGCGATTGTACACCACTCCTTCTTCTCCACCACAA[C>T]ACTCTAAATCGTTGCTCACAATCTGTCTGCCACAGCACTTCTGGCCATGGCCATCATGAA-3'
Protein context (NP_996816.3, residues 3296-3316): GRQIVSNDLE[Cys3306Tyr]CGGEEGVVYN